The following is an entry in ClinVar:

ClinVar aggregate classification (germline): Uncertain significance (1 of 4 stars; one submission).

Conditions:
Cardiovascular phenotype. Identifiers: MedGen CN230736.

Submission:

Ambry Genetics
Classification: Uncertain significance for Cardiovascular phenotype. Last evaluated: 2023-05-03. Review status: criteria provided, single submitter. Criteria: Ambry Variant Classification Scheme 2023. Collection method: clinical testing. Allele origin: germline.
Comment: The p.A1194P variant (also known as c.3580G>C), located in coding exon 10 of the AKAP9 gene, results from a G to C substitution at nucleotide position 3580. The alanine at codon 1194 is replaced by proline, an amino acid with highly similar properties. This amino acid position is conserved. In addition, this alteration is predicted to be tolerated by in silico analysis. Since supporting evidence is limited at this time, the clinical significance of this alteration remains unclear.

NM_005751.5(AKAP9):c.3580G>C (p.Ala1194Pro)

Gene: AKAP9 (A-kinase anchoring protein 9; plus strand). Cytogenetic location: 7q21.2.
Variant type: single nucleotide variant.
Coding change: c.3580G>C on transcript NM_005751.5 (MANE Select); coding-DNA position 3580, G replaced by C.
Protein change: p.Ala1194Pro; replaces alanine 1194 with proline.
Molecular consequence: missense variant.
Genome position (GRCh38, 1-based): chr7:92,014,296, G>C. VCF-style: chr7-92014296-G-C. GRCh37 (hg19) VCF-style: chr7-91643610-G-C.
Other names: c.3580G>C, p.Ala1194Pro (NM_147185.3); short protein forms A1194P.
Identifiers: ClinVar variation 2564478 (VCV002564478.2), dbSNP rs139965373, ClinGen allele CA368126525.
Genomic context (GRCh38, chr7:92,014,296, plus strand): 5'-TCTGTTCTATTAGGTGATGAAGGAAAGCCTTTACATCTGCTCATTGGAAAACTTCAAAAG[G>C]CAGTGTCTGAAGAATGTTCTTATTTTTTACAGGTAAAATGTTTAAAAGTACTTTTATGGC-3'
Protein context (NP_005742.4, residues 1184-1204): LHLLIGKLQK[Ala1194Pro]VSEECSYFLQ